The following is an entry in ClinVar:

NM_007214.5(SEC63):c.340-3_340-2insCCT

Gene: SEC63 (SEC63 homolog, protein translocation regulator; minus strand). Cytogenetic location: 6q21.
Variant type: Insertion.
Coding change: c.340-3_340-2insCCT on transcript NM_007214.5 (MANE Select); 3 bases into the intron before coding-DNA position 340 through the canonical splice acceptor site of the intron before coding-DNA position 340, CCT inserted.
Molecular consequence: intron variant.
Genome position: GRCh38 VCF-style: chr6-107921911-T-TAGG. GRCh37 (hg19) VCF-style: chr6-108243115-T-TAGG.
Identifiers: ClinVar variation 3036799 (VCV003036799.2), dbSNP rs1554237211, ClinGen allele CA3947734.

ClinVar aggregate classification (germline): Likely benign (0 of 4 stars; one submission).

Conditions:
SEC63-related disorder. Also called: SEC63-related condition.

Allele frequency attached by ClinVar (database versions not stated): gnomAD 0.00001; gnomAD exomes 0.00002; ExAC 0.00010.

Submission:

PreventionGenetics, part of Exact Sciences
Classification: Likely benign for SEC63-related condition. Last evaluated: 2020-07-27. Review status: no assertion criteria provided. Collection method: clinical testing. Allele origin: germline.
Comment: This variant is classified as likely benign based on ACMG/AMP sequence variant interpretation guidelines (Richards et al. 2015 PMID: 25741868, with internal and published modifications).